The following is an entry in ClinVar:

ClinVar aggregate classification (germline): Likely benign (1 of 4 stars; one submission).

Conditions:
Duchenne muscular dystrophy (DMD). Also called: Duchenne Muscular Dystrophy (DMD); MUSCULAR DYSTROPHY, PSEUDOHYPERTROPHIC PROGRESSIVE, DUCHENNE TYPE. Identifiers: Orphanet 98896, MedGen C0013264, MONDO:0010679, OMIM 310200.

gnomAD v4.1: 3 of 1,203,654 alleles (0.00025%); highest among the groups gnomAD compares: South Asian, 0.0018%; no homozygotes.

Submission:

Centre for Medical Genetics,  Mumbai
Classification: Likely benign for Duchenne muscular dystrophy. Last evaluated: 2026-03-02. Review status: criteria provided, single submitter. Criteria: ACMG Guidelines, 2015. Collection method: provider interpretation. Allele origin: germline. Inheritance: X-linked recessive inheritance. Affected: no. Observed: 1 variant allele, 1 homozygote.
Comment: The variant satisfies PM2 criteria; Extremely low frequency in gnomAD population databases. The variant satisfies BP4 criteria; For a missense or a splice region variant, computational prediction tools unanimously support a benign effect on the gene. However, the variant satisfies BS2 criteria.

Literature cited by the submitters: PubMed 19367636.

NM_004006.3(DMD):c.3796G>A (p.Ala1266Thr)

Gene: DMD (dystrophin; minus strand). Cytogenetic location: Xp21.1.
Variant type: single nucleotide variant.
Coding change: c.3796G>A on transcript NM_004006.3 (MANE Select); coding-DNA position 3796, G replaced by A.
Protein change: p.Ala1266Thr; replaces alanine 1266 with threonine.
Molecular consequence: missense variant.
Genome position (GRCh38, 1-based): chrX:32,441,305, C>T on the plus strand (G>A on the coding strand, the complement: DMD is on the minus strand). VCF-style: chrX-32441305-C-T. GRCh37 (hg19) VCF-style: chrX-32459422-C-T.
Other names: c.3772G>A, p.Ala1258Thr (NM_000109.4); c.3784G>A, p.Ala1262Thr (NM_004009.3); c.3427G>A, p.Ala1143Thr (NM_004010.3); short protein forms A1143T, A1258T, A1262T, A1266T.
Identifiers: ClinVar variation 4814247 (VCV004814247.1).